The following is an entry in ClinVar:

ClinVar aggregate classification (germline): Uncertain significance (1 of 4 stars; one submission).

Conditions:
Early-infantile DEE. Also called: Early infantile epileptic encephalopathy; Early infantile epileptic encephalopathy with suppression bursts; Ohtahara syndrome. Identifiers: Orphanet 1934, MedGen C0393706, MONDO:0800491.

Allele frequency attached by ClinVar (database versions not stated): TOPMed 0.00001; gnomAD 0.00002.
gnomAD v4.1: 3 of 151,360 alleles (0.002%); highest among the groups gnomAD compares: African/African-American, 0.0024%; no homozygotes.

Submission:

Labcorp Genetics (formerly Invitae), Labcorp
Classification: Uncertain significance for Early-infantile DEE. Last evaluated: 2024-05-15. Review status: criteria provided, single submitter. Criteria: Invitae Variant Classification Sherloc (09022015). Collection method: clinical testing. Allele origin: germline.
Comment: This sequence change falls in intron 20 of the SCN1A gene. It does not directly change the encoded amino acid sequence of the SCN1A protein. However, this sequence change falls within a region encompassing a cryptic exon in the SCN1A gene, in which variants have been shown to alter splicing (PMID: 30526861, 34107977). This variant is present in population databases (no rsID available, gnomAD 0.06%). This variant has not been reported in the literature in individuals affected with SCN1A-related conditions. Algorithms developed to predict the effect of sequence changes on RNA splicing suggest that this variant is not likely to affect RNA splicing. In summary, the available evidence is currently insufficient to determine the role of this variant in disease. Therefore, it has been classified as a Variant of Uncertain Significance.

Literature cited by the submitters: PubMed 30526861; PubMed 34107977.

NM_001165963.4(SCN1A):c.4002+2273T>C

Genes: SCN1A (sodium voltage-gated channel alpha subunit 1; minus strand), LOC102724058 (uncharacterized LOC102724058; plus strand). Cytogenetic location: 2q24.3.
Variant type: single nucleotide variant.
Coding change: c.4002+2273T>C on transcript NM_001165963.4 (MANE Select); 2273 bases into the intron after coding-DNA position 4002, T replaced by C.
Molecular consequence: intron variant.
Genome position (GRCh38, 1-based): chr2:166,007,446, A>G on the plus strand (T>C on the coding strand, the complement: SCN1A is on the minus strand). VCF-style: chr2-166007446-A-G. GRCh37 (hg19) VCF-style: chr2-166863956-A-G.
Other names: c.3969+2273T>C (NM_001353949.2, NM_001353950.2, NM_001353951.2 and 2 more transcripts); c.3918+2273T>C (NM_001353958.2, NM_001353957.2, NM_001165964.3); c.4002+2273T>C (NM_001202435.3, NM_001353948.2); c.3966+2273T>C (NM_001353955.2, NM_001353954.2); c.3915+2273T>C (NM_001353960.2); c.1560+2273T>C (NM_001353961.2).
Identifiers: ClinVar variation 2794571 (VCV002794571.3), dbSNP rs1331740674, ClinGen allele CA537134253.
Genomic context (GRCh38, chr2:166,007,446, plus strand): 5'-CTGTTTCCCTATCCATTAAGACTTGAGTTCTTTTGAAAAAGAAGGTATTTAAGATTTCCT[A>G]GGTTAGGAAATTAAAAATACAAATTTAAACACAAATTTTATTTTACCCTAGATATTCACG-3'